The following is an entry in ClinVar:

ClinVar aggregate classification (germline): Likely benign. Review status: criteria provided, multiple submitters, no conflicts (2 of 4 stars). 3 submissions from 3 submitters: Likely benign (3). Last evaluated 2026-01-20.

Conditions:
Inborn genetic diseases. Identifiers: MedGen C0950123, MeSH D030342.

gnomAD v4.1: 4 of 1,613,998 alleles (0.00025%); no homozygotes.

Submissions (3):

Labcorp Genetics (formerly Invitae), Labcorp
Classification: Likely benign. Last evaluated: 2026-01-20. Review status: criteria provided, single submitter. Criteria: Invitae Variant Classification Sherloc (09022015). Collection method: clinical testing. Allele origin: germline.

Mayo Clinic Laboratories, Mayo Clinic
Classification: Likely benign. Last evaluated: 2025-07-24. Review status: criteria provided, single submitter. Criteria: ACMG Guidelines, 2015. Collection method: clinical testing. Allele origin: germline. Observed: 1 variant allele.
Comment: BP4, BP7, PM2_supporting

Ambry Genetics
Classification: Likely benign for Inborn genetic diseases. Last evaluated: 2024-11-28. Review status: criteria provided, single submitter. Criteria: Ambry Variant Classification Scheme 2023. Collection method: clinical testing. Allele origin: germline.

NM_014915.3(ANKRD26):c.4848T>C (p.Asn1616=)

Gene: ANKRD26 (ankyrin repeat domain 26; minus strand). Cytogenetic location: 10p12.1.
Variant type: single nucleotide variant.
Coding change: c.4848T>C on transcript NM_014915.3 (MANE Select); coding-DNA position 4848, T replaced by C.
Protein change: p.Asn1616=; no amino-acid change (asparagine 1616 retained).
Molecular consequence: synonymous variant.
Genome position (GRCh38, 1-based): chr10:27,012,987, A>G on the plus strand (T>C on the coding strand, the complement: ANKRD26 is on the minus strand). VCF-style: chr10-27012987-A-G. GRCh37 (hg19) VCF-style: chr10-27301916-A-G.
Other names: p.Asn1616=; c.4845T>C, p.Asn1615= (NM_001256053.2).
Identifiers: ClinVar variation 3396327 (VCV003396327.4).